The following is an entry in ClinVar:

NM_006070.6(TFG):c.672A>G (p.Pro224=)

Gene: TFG (trafficking from ER to golgi regulator; plus strand). Cytogenetic location: 3q12.2.
Variant type: single nucleotide variant.
Coding change: c.672A>G on transcript NM_006070.6 (MANE Select); coding-DNA position 672, A replaced by G.
Protein change: p.Pro224=; no amino-acid change (proline 224 retained).
Molecular consequence: synonymous variant.
Genome position (GRCh38, 1-based): chr3:100,736,667, A>G. VCF-style: chr3-100736667-A-G. GRCh37 (hg19) VCF-style: chr3-100455511-A-G.
Other names: c.672A>G, p.Pro224= (NM_001007565.2, NM_001195478.2, NM_001195479.2); c.672A>G (NM_006070.5).
Identifiers: ClinVar variation 1099964 (VCV001099964.11), dbSNP rs141412018, ClinGen allele CA2517149.

ClinVar aggregate classification (germline): Likely benign. Review status: criteria provided, multiple submitters, no conflicts (2 of 4 stars). 2 submissions from 2 submitters: Likely benign (2). Last evaluated 2026-05-16.

Conditions:
TFG-related disorder. Also called: TFG-related condition; TFG-related disorders.
Hereditary motor and sensory neuropathy, Okinawa type (HMSNO). Also called: HEREDITARY MOTOR AND SENSORY NEUROPATHY, PROXIMAL TYPE. Identifiers: Orphanet 90117, MedGen C1858338, MONDO:0011468, OMIM 604484.
Hereditary spastic paraplegia 57. Also called: Spastic paraplegia 57, autosomal recessive. Identifiers: Orphanet 431329, MedGen C3714897, MONDO:0014295, OMIM 615658.

Allele frequency attached by ClinVar (database versions not stated): ExAC 0.00003; ESP Exome Variant Server 0.00008; gnomAD 0.00011; 1000 Genomes Project 30x 0.00016; 1000 Genomes Project 0.00020; TOPMed 0.00028.
gnomAD v4.1: 31 of 1,614,086 alleles (0.0019%); highest among the groups gnomAD compares: Admixed American, 0.042%; no homozygotes.

Submissions (2):

PreventionGenetics, part of Exact Sciences
Classification: Likely benign for TFG-related condition. Last evaluated: 2026-05-16. Review status: criteria provided, single submitter. Criteria: ACMG Guidelines, 2015. Collection method: clinical testing. Allele origin: germline.
Comment: This variant is classified as likely benign based on ACMG/AMP sequence variant interpretation guidelines (Richards et al. 2015 PMID: 25741868, with internal and published modifications).

Labcorp Genetics (formerly Invitae), Labcorp
Classification: Likely benign for Hereditary motor and sensory neuropathy, Okinawa type; Hereditary spastic paraplegia 57. Last evaluated: 2026-01-05. Review status: criteria provided, single submitter. Criteria: Invitae Variant Classification Sherloc (09022015). Collection method: clinical testing. Allele origin: germline.